The following is an entry in ClinVar:

ClinVar aggregate classification (germline): Uncertain significance. Review status: criteria provided, multiple submitters, no conflicts (2 of 4 stars). 2 submissions from 2 submitters: Uncertain significance (2). Last evaluated 2025-06-20.

Conditions:
Tumor predisposition syndrome 3 (TPDS3). Also called: LONG TELOMERE SYNDROME, POT1-RELATED; POT1 Tumor Predisposition; Melanoma, cutaneous malignant, susceptibility to, 10; Glioma susceptibility 9. Identifiers: Orphanet 618, MedGen C4014476, MONDO:0014368, OMIM 615848.
Hereditary cancer-predisposing syndrome. Also called: Tumor predisposition; Hereditary neoplastic syndrome; Hereditary Cancer Syndrome; Neoplastic Syndromes, Hereditary. Identifiers: Orphanet 140162, MedGen C0027672, MeSH D009386, MONDO:0015356.

Submissions (2):

Ambry Genetics
Classification: Uncertain significance for Hereditary cancer-predisposing syndrome. Last evaluated: 2025-06-20. Review status: criteria provided, single submitter. Criteria: Ambry Variant Classification Scheme 2023. Collection method: clinical testing. Allele origin: germline.
Comment: The p.K412N variant (also known as c.1236G>C), located in coding exon 10 of the POT1 gene, results from a G to C substitution at nucleotide position 1236. The lysine at codon 412 is replaced by asparagine, an amino acid with similar properties. This amino acid position is conserved. In addition, this alteration is predicted to be tolerated by in silico analysis. Based on the available evidence, the clinical significance of this variant remains unclear.

Labcorp Genetics (formerly Invitae), Labcorp
Classification: Uncertain significance for Tumor predisposition syndrome 3. Last evaluated: 2023-12-31. Review status: criteria provided, single submitter. Criteria: Invitae Variant Classification Sherloc (09022015). Collection method: clinical testing. Allele origin: germline.
Comment: This sequence change replaces lysine, which is basic and polar, with asparagine, which is neutral and polar, at codon 412 of the POT1 protein (p.Lys412Asn). This variant is not present in population databases (gnomAD no frequency). This variant has not been reported in the literature in individuals affected with POT1-related conditions. Advanced modeling of protein sequence and biophysical properties (such as structural, functional, and spatial information, amino acid conservation, physicochemical variation, residue mobility, and thermodynamic stability) performed at Invitae indicates that this missense variant is not expected to disrupt POT1 protein function with a negative predictive value of 80%. In summary, the available evidence is currently insufficient to determine the role of this variant in disease. Therefore, it has been classified as a Variant of Uncertain Significance.

NM_015450.3(POT1):c.1236G>C (p.Lys412Asn)

Gene: POT1 (protection of telomeres 1; minus strand). Cytogenetic location: 7q31.33.
Variant type: single nucleotide variant.
Coding change: c.1236G>C on transcript NM_015450.3 (MANE Select); coding-DNA position 1236, G replaced by C.
Protein change: p.Lys412Asn; replaces lysine 412 with asparagine.
Molecular consequence: missense variant. On other transcripts: non-coding transcript variant (3).
Genome position (GRCh38, 1-based): chr7:124,841,106, C>G on the plus strand (G>C on the coding strand, the complement: POT1 is on the minus strand). VCF-style: chr7-124841106-C-G. GRCh37 (hg19) VCF-style: chr7-124481160-C-G.
Other names: c.843G>C, p.Lys281Asn (NM_001042594.2); c.1236G>C (NM_015450.2); short protein forms K281N, K412N.
Identifiers: ClinVar variation 2857205 (VCV002857205.4), dbSNP rs1795017625, ClinGen allele CA369067493.